The following is an entry in ClinVar:

NM_001374736.1(DST):c.22110G>A (p.Ala7370=)

Gene: DST (dystonin; minus strand). Cytogenetic location: 6p12.1.
Variant type: single nucleotide variant.
Coding change: c.22110G>A on transcript NM_001374736.1 (MANE Select); coding-DNA position 22110, G replaced by A.
Protein change: p.Ala7370=; no amino-acid change (alanine 7370 retained).
Molecular consequence: synonymous variant.
Genome position (GRCh38, 1-based): chr6:56,472,107, C>T on the plus strand (G>A on the coding strand, the complement: DST is on the minus strand). VCF-style: chr6-56472107-C-T. GRCh37 (hg19) VCF-style: chr6-56336905-C-T.
Other names: c.15753G>A, p.Ala5251= (NM_001144769.5); c.15339G>A, p.Ala5113= (NM_001144770.2); c.22110G>A, p.Ala7370= (NM_001374722.1); c.21150G>A, p.Ala7050= (NM_001374729.1); c.14892G>A, p.Ala4964= (NM_001374730.1); c.22137G>A, p.Ala7379= (NM_001374734.1); c.15219G>A, p.Ala5073= (NM_001386100.1, NM_183380.4); c.14241G>A, p.Ala4747= (NM_015548.5); and 1 more.
Identifiers: ClinVar variation 1596827 (VCV001596827.9), dbSNP rs763706326, ClinGen allele CA3866334.

ClinVar aggregate classification (germline): Likely benign. Review status: criteria provided, multiple submitters, no conflicts (2 of 4 stars). 2 submissions from 2 submitters: Likely benign (2). Last evaluated 2026-08-25.

Conditions:
DST-related disorder. Also called: DST-related disorders; DST-related condition.
Epidermolysis bullosa simplex 3, localized or generalized intermediate, with BP230 deficiency (EBS3). Also called: Epidermolysis bullosa simplex, autosomal recessive 2; Epidermolysis bullosa simplex due to BP230 deficiency. Identifiers: Orphanet 412181, MedGen C3809470, MONDO:0014180, OMIM 615425.
Hereditary sensory and autonomic neuropathy type 6. Also called: Neuropathy, hereditary sensory and autonomic, type VI; HSAN VI. Identifiers: Orphanet 314381, MedGen C3539003, MONDO:0013839, OMIM 614653.

Allele frequency attached by ClinVar (database versions not stated): ExAC 0.00001; gnomAD 0.00001 and 0.00002; TOPMed 0.00002.
gnomAD v4.1: 19 of 1,613,832 alleles (0.0012%); highest among the groups gnomAD compares: East Asian, 0.0022%; no homozygotes.

Submissions (2):

PreventionGenetics, part of Exact Sciences
Classification: Likely benign for DST-related condition. Last evaluated: 2026-08-25. Review status: criteria provided, single submitter. Criteria: ACMG Guidelines, 2015. Collection method: clinical testing. Allele origin: germline.
Comment: This variant is classified as likely benign based on ACMG/AMP sequence variant interpretation guidelines (Richards et al. 2015 PMID: 25741868, with internal and published modifications).

Labcorp Genetics (formerly Invitae), Labcorp
Classification: Likely benign for Epidermolysis bullosa simplex 3, localized or generalized intermediate, with BP230 deficiency; Hereditary sensory and autonomic neuropathy type 6. Last evaluated: 2024-04-22. Review status: criteria provided, single submitter. Criteria: Invitae Variant Classification Sherloc (09022015). Collection method: clinical testing. Allele origin: germline.